The following is an entry in ClinVar:

NM_006231.4(POLE):c.298T>C (p.Tyr100His)

Gene: POLE (DNA polymerase epsilon, catalytic subunit; minus strand). Cytogenetic location: 12q24.33.
Variant type: single nucleotide variant.
Coding change: c.298T>C on transcript NM_006231.4 (MANE Select); coding-DNA position 298, T replaced by C.
Protein change: p.Tyr100His; replaces tyrosine 100 with histidine.
Molecular consequence: missense variant.
Genome position (GRCh38, 1-based): chr12:132,680,210, A>G on the plus strand (T>C on the coding strand, the complement: POLE is on the minus strand). VCF-style: chr12-132680210-A-G. GRCh37 (hg19) VCF-style: chr12-133256796-A-G.
Other names: c.298T>C (NM_006231.2); short protein forms Y100H.
Identifiers: ClinVar variation 4754382 (VCV004754382.2).

ClinVar aggregate classification (germline): Uncertain significance. Review status: criteria provided, multiple submitters, no conflicts (2 of 4 stars). 2 submissions from 2 submitters: Uncertain significance (2). Last evaluated 2026-04-09.

Conditions:
Hereditary cancer-predisposing syndrome. Also called: Neoplastic Syndromes, Hereditary; Tumor predisposition; Hereditary Cancer Syndrome; Hereditary neoplastic syndrome. Identifiers: Orphanet 140162, MedGen C0027672, MeSH D009386, MONDO:0015356.

gnomAD v4.1: 1 of 1,614,140 alleles (0.000062%); highest among the groups gnomAD compares: Non-Finnish European, 0.000085%; no homozygotes.

Submissions (2):

Ambry Genetics
Classification: Uncertain significance for Hereditary cancer-predisposing syndrome. Last evaluated: 2026-04-09. Review status: criteria provided, single submitter. Criteria: Ambry Variant Classification Scheme 2023. Collection method: clinical testing. Allele origin: germline.
Comment: The p.Y100H variant (also known as c.298T>C), located in coding exon 4 of the POLE gene, results from a T to C substitution at nucleotide position 298. The tyrosine at codon 100 is replaced by histidine, an amino acid with similar properties. This amino acid position is conserved. In addition, this alteration is predicted to be tolerated by in silico analysis. Based on the available evidence, the clinical significance of this variant remains unclear.

Labcorp Genetics (formerly Invitae), Labcorp
Classification: Uncertain significance. Last evaluated: 2025-10-13. Review status: criteria provided, single submitter. Criteria: Invitae Variant Classification Sherloc (09022015). Collection method: clinical testing. Allele origin: germline.
Comment: This sequence change replaces tyrosine, which is neutral and polar, with histidine, which is basic and polar, at codon 100 of the POLE protein (p.Tyr100His). This variant is not present in population databases (gnomAD no frequency). This variant has not been reported in the literature in individuals affected with POLE-related conditions. Invitae Evidence Modeling of protein sequence and biophysical properties (such as structural, functional, and spatial information, amino acid conservation, physicochemical variation, residue mobility, and thermodynamic stability) indicates that this missense variant is not expected to disrupt POLE protein function with a negative predictive value of 80%. In summary, the available evidence is currently insufficient to determine the role of this variant in disease. Therefore, it has been classified as a Variant of Uncertain Significance.